The following is an entry in ClinVar:

NM_005076.5(CNTN2):c.1695+2T>C

Gene: CNTN2 (contactin 2; plus strand). Cytogenetic location: 1q32.1.
Variant type: single nucleotide variant.
Coding change: c.1695+2T>C on transcript NM_005076.5 (MANE Select); the canonical splice donor site of the intron after coding-DNA position 1695, T replaced by C.
Molecular consequence: splice donor variant.
Genome position (GRCh38, 1-based): chr1:205,065,264, T>C. VCF-style: chr1-205065264-T-C. GRCh37 (hg19) VCF-style: chr1-205034392-T-C.
Other names: c.1695+2T>C (NM_001346083.2).
Identifiers: ClinVar variation 1468336 (VCV001468336.6), dbSNP rs763392794, ClinGen allele CA1351449.

ClinVar aggregate classification (germline): Likely pathogenic (1 of 4 stars; one submission).

Conditions:
Epilepsy, familial adult myoclonic, 5 (EPEO5). Also called: CORTICAL MYOCLONIC TREMOR WITH EPILEPSY, FAMILIAL, 5. Identifiers: Orphanet 86814, MedGen C3809374, MONDO:0014167, OMIM 615400.

Allele frequency attached by ClinVar (database versions not stated): gnomAD exomes below 0.00001; TOPMed below 0.00001; ExAC 0.00001.
gnomAD v4.1: 1 of 1,614,102 alleles (0.000062%); highest among the groups gnomAD compares: Admixed American, 0.0017%; no homozygotes.

Submission:

Labcorp Genetics (formerly Invitae), Labcorp
Classification: Likely pathogenic for Epilepsy, familial adult myoclonic, 5. Last evaluated: 2024-10-12. Review status: criteria provided, single submitter. Criteria: Invitae Variant Classification Sherloc (09022015). Collection method: clinical testing. Allele origin: germline.
Comment: This sequence change affects a donor splice site in intron 13 of the CNTN2 gene. It is expected to disrupt RNA splicing. Variants that disrupt the donor or acceptor splice site typically lead to a loss of protein function (PMID: 16199547), and loss-of-function variants in CNTN2 are known to be pathogenic (PMID: 11178983, 23518707). This variant is present in population databases (rs763392794, gnomAD 0.003%). This variant has not been reported in the literature in individuals affected with CNTN2-related conditions. ClinVar contains an entry for this variant (Variation ID: 1468336). Algorithms developed to predict the effect of sequence changes on RNA splicing suggest that this variant may disrupt the consensus splice site. In summary, the currently available evidence indicates that the variant is pathogenic, but additional data are needed to prove that conclusively. Therefore, this variant has been classified as Likely Pathogenic.

Literature cited by the submitters: PubMed 16199547; PubMed 11178983; PubMed 23518707.